The following is an entry in ClinVar:

ClinVar aggregate classification (germline): Pathogenic/Likely pathogenic. Review status: criteria provided, multiple submitters, no conflicts (2 of 4 stars). 5 submissions from 5 submitters: Pathogenic (1); Likely pathogenic (3). 1 of the submissions does not count toward it. Last evaluated 2024-12-18.

Conditions:
Xeroderma pigmentosum, group C (XPC). Also called: Xeroderma pigmentosum, complementation group C; XPC-Related Xeroderma Pigmentosum; XERODERMA PIGMENTOSUM III; XP, GROUP C. Identifiers: Orphanet 910, MedGen C2752147, MONDO:0010211, OMIM 278720.

gnomAD v4.1: 1 of 1,595,036 alleles (0.000063%); highest among the groups gnomAD compares: Middle Eastern, 0.017%; no homozygotes.

Submissions (5):

Genomic Medicine Center of Excellence, King Faisal Specialist Hospital and Research Centre
Classification: Likely pathogenic for Xeroderma pigmentosum, group C. Last evaluated: 2024-12-18. Review status: criteria provided, single submitter. Criteria: ACMG Guidelines, 2015. Collection method: clinical testing. Allele origin: germline.

Revvity Omics, Revvity
Classification: Likely pathogenic for Xeroderma pigmentosum, group C. Last evaluated: 2024-03-21. Review status: criteria provided, single submitter. Criteria: ACMG Guidelines, 2015. Collection method: clinical testing. Allele origin: germline.

GeneDx
Classification: Likely pathogenic. Last evaluated: 2023-06-21. Review status: criteria provided, single submitter. Criteria: GeneDx Variant Classification Process June 2021. Collection method: clinical testing. Allele origin: germline. Affected: yes.
Comment: Canonical splice site variant predicted to result in an in-frame loss of the adjacent exon in a gene for which loss of function is a known mechanism of disease; Not observed at significant frequency in large population cohorts (gnomAD); This variant is associated with the following publications: (PMID: 25326635, 32359129, 27535533)

Baylor Genetics
Classification: Pathogenic for Xeroderma pigmentosum, group C. Last evaluated: 2017-09-01. Review status: criteria provided, single submitter. Criteria: ACMG Guidelines, 2015. Collection method: clinical testing. Allele origin: germline. Inheritance: Autosomal recessive inheritance. Affected: yes.

Biochemical Molecular Genetic Laboratory, King Abdulaziz Medical City
Classification: Likely pathogenic for Xeroderma pigmentosum, group C. Last evaluated: 2019-01-29. Review status: no assertion criteria provided. Collection method: clinical testing. Allele origin: germline. Affected: yes. Not counted in ClinVar's aggregate classification.

Literature cited by the submitters: PubMed 25326635 (cited by Baylor Genetics).

NM_004628.5(XPC):c.1872+1G>C

Gene: XPC (XPC complex subunit, DNA damage recognition and repair factor; minus strand). Cytogenetic location: 3p25.1.
Variant type: single nucleotide variant.
Coding change: c.1872+1G>C on transcript NM_004628.5 (MANE Select); the canonical splice donor site of the intron after coding-DNA position 1872, G replaced by C.
Molecular consequence: splice donor variant. On other transcripts: intron variant (1).
Genome position (GRCh38, 1-based): chr3:14,158,010, C>G on the plus strand (G>C on the coding strand, the complement: XPC is on the minus strand). VCF-style: chr3-14158010-C-G. GRCh37 (hg19) VCF-style: chr3-14199510-C-G.
Other names: c.1854+1G>C (NM_001354729.2); c.1293+1G>C (NM_001354726.2); c.1626+247G>C (NM_001354730.2); c.1872+1G>C (NM_001354727.2).
Identifiers: ClinVar variation 561144 (VCV000561144.9), dbSNP rs1559374923, ClinGen allele CA351538848.